The following is an entry in ClinVar:

NM_007078.3(LDB3):c.2119C>G (p.Gln707Glu)

Gene: LDB3 (LIM domain binding 3; plus strand). Cytogenetic location: 10q23.2.
Variant type: single nucleotide variant.
Coding change: c.2119C>G on transcript NM_007078.3 (MANE Select); coding-DNA position 2119, C replaced by G.
Protein change: p.Gln707Glu; replaces glutamine 707 with glutamic acid.
Molecular consequence: missense variant.
Genome position (GRCh38, 1-based): chr10:86,732,911, C>G. VCF-style: chr10-86732911-C-G. GRCh37 (hg19) VCF-style: chr10-88492668-C-G.
Other names: c.1789C>G, p.Gln597Glu (NM_001080114.2); c.2134C>G, p.Gln712Glu (NM_001171610.2); c.1930C>G, p.Gln644Glu (NM_001368064.1, NM_001368065.1); c.1978C>G, p.Gln660Glu (NM_001368066.1); short protein forms Q597E, Q644E, Q712E, Q707E, Q660E.
Identifiers: ClinVar variation 1898853 (VCV001898853.7), dbSNP rs771316707, ClinGen allele CA377460208.

ClinVar aggregate classification (germline): Uncertain significance. Review status: criteria provided, multiple submitters, no conflicts (2 of 4 stars). 3 submissions from 3 submitters: Uncertain significance (3). Last evaluated 2025-10-27.

Conditions:
Myofibrillar myopathy 4. Also called: Zaspopathy (type). Identifiers: Orphanet 98912, MedGen C4721886, MONDO:0012277, OMIM 609452.
Cardiovascular phenotype. Identifiers: MedGen CN230736.

gnomAD v4.1: 4 of 1,613,874 alleles (0.00025%); highest among the groups gnomAD compares: Non-Finnish European, 0.00034%; no homozygotes.

Submissions (3):

Ambry Genetics
Classification: Uncertain significance for Cardiovascular phenotype. Last evaluated: 2025-10-27. Review status: criteria provided, single submitter. Criteria: Ambry Variant Classification Scheme 2023. Collection method: clinical testing. Allele origin: germline.
Comment: The p.Q707E variant (also known as c.2119C>G), located in coding exon 13 of the LDB3 gene, results from a C to G substitution at nucleotide position 2119. The glutamine at codon 707 is replaced by glutamic acid, an amino acid with highly similar properties. This amino acid position is conserved. In addition, the in silico prediction for this alteration is inconclusive. Based on the available evidence, the clinical significance of this variant remains unclear.

Labcorp Genetics (formerly Invitae), Labcorp
Classification: Uncertain significance for Myofibrillar myopathy 4. Last evaluated: 2023-07-10. Review status: criteria provided, single submitter. Criteria: Invitae Variant Classification Sherloc (09022015). Collection method: clinical testing. Allele origin: germline.
Comment: In summary, the available evidence is currently insufficient to determine the role of this variant in disease. Therefore, it has been classified as a Variant of Uncertain Significance. Experimental studies and prediction algorithms are not available or were not evaluated, and the functional significance of this variant is currently unknown. This variant has not been reported in the literature in individuals affected with LDB3-related conditions. This variant is present in population databases (no rsID available, gnomAD 0.0009%). This sequence change replaces glutamine, which is neutral and polar, with glutamic acid, which is acidic and polar, at codon 707 of the LDB3 protein (p.Gln707Glu). The LDB3 gene has multiple clinically relevant transcripts. This variant occurs in alternate transcript NM_007078.3, and corresponds to NM_001080116.1:c.*33537C>G in the primary transcript.

Blueprint Genetics
Classification: Uncertain significance. Last evaluated: 2022-10-06. Review status: criteria provided, single submitter. Criteria: ACMG Guidelines, 2015. Collection method: clinical testing. Allele origin: germline.